The following is an entry in ClinVar:

ClinVar aggregate classification (germline): Uncertain significance (1 of 4 stars; one submission).

Submission:

Labcorp Genetics (formerly Invitae), Labcorp
Classification: Uncertain significance. Last evaluated: 2024-10-24. Review status: criteria provided, single submitter. Criteria: Invitae Variant Classification Sherloc (09022015). Collection method: clinical testing. Allele origin: germline.
Comment: This sequence change replaces serine, which is neutral and polar, with phenylalanine, which is neutral and non-polar, at codon 458 of the KMT2A protein (p.Ser458Phe). This variant is not present in population databases (gnomAD no frequency). This variant has not been reported in the literature in individuals affected with KMT2A-related conditions. Invitae Evidence Modeling of protein sequence and biophysical properties (such as structural, functional, and spatial information, amino acid conservation, physicochemical variation, residue mobility, and thermodynamic stability) has been performed for this missense variant. However, the output from this modeling did not meet the statistical confidence thresholds required to predict the impact of this variant on KMT2A protein function. In summary, the available evidence is currently insufficient to determine the role of this variant in disease. Therefore, it has been classified as a Variant of Uncertain Significance.

NM_001197104.2(KMT2A):c.1373C>T (p.Ser458Phe)

Gene: KMT2A (lysine methyltransferase 2A; plus strand). Cytogenetic location: 11q23.3.
Variant type: single nucleotide variant.
Coding change: c.1373C>T on transcript NM_001197104.2 (MANE Select); coding-DNA position 1373, C replaced by T.
Protein change: p.Ser458Phe; replaces serine 458 with phenylalanine.
Molecular consequence: missense variant.
Genome position (GRCh38, 1-based): chr11:118,472,532, C>T. VCF-style: chr11-118472532-C-T. GRCh37 (hg19) VCF-style: chr11-118343247-C-T.
Other names: c.1472C>T, p.Ser491Phe (NM_001412597.1); c.1373C>T, p.Ser458Phe (NM_005933.4); short protein forms S491F, S458F.
Identifiers: ClinVar variation 3634300 (VCV003634300.2).